The following is an entry in ClinVar:

ClinVar aggregate classification (germline): Uncertain significance (1 of 4 stars; one submission).

Conditions:
Aortic valve disease 2 (AOVD2). Identifiers: MedGen C3542024, MONDO:0013902, OMIM 614823.

Allele frequency attached by ClinVar (database versions not stated): gnomAD 0.00001; TOPMed 0.00001; ESP Exome Variant Server 0.00008.
gnomAD v4.1: 13 of 1,614,010 alleles (0.00081%); highest among the groups gnomAD compares: Admixed American, 0.0017%; no homozygotes.

Submission:

Labcorp Genetics (formerly Invitae), Labcorp
Classification: Uncertain significance for Aortic valve disease 2. Last evaluated: 2021-02-09. Review status: criteria provided, single submitter. Criteria: Invitae Variant Classification Sherloc (09022015). Collection method: clinical testing. Allele origin: germline.
Comment: Algorithms developed to predict the effect of missense changes on protein structure and function do not agree on the potential impact of this missense change (SIFT: "Deleterious"; PolyPhen-2: "Possibly Damaging"; Align-GVGD: "Class C0"). In summary, this variant is a rare missense change with uncertain impact on protein function. There is no indication that it causes disease, but the available evidence is currently insufficient to prove that conclusively. Therefore, it has been classified as a Variant of Uncertain Significance. This sequence change replaces proline with serine at codon 108 of the TBX5 protein (p.Pro108Ser). The proline residue is highly conserved and there is a moderate physicochemical difference between proline and serine. This variant is present in population databases (rs376621016, ExAC 0.001%) but has not been reported in the literature in individuals with a TBX5-related disease.

NM_181486.4(TBX5):c.322C>T (p.Pro108Ser)

Gene: TBX5 (T-box transcription factor 5; minus strand). Cytogenetic location: 12q24.21.
Variant type: single nucleotide variant.
Coding change: c.322C>T on transcript NM_181486.4 (MANE Select); coding-DNA position 322, C replaced by T.
Protein change: p.Pro108Ser; replaces proline 108 with serine.
Molecular consequence: missense variant.
Genome position (GRCh38, 1-based): chr12:114,399,553, G>A on the plus strand (C>T on the coding strand, the complement: TBX5 is on the minus strand). VCF-style: chr12-114399553-G-A. GRCh37 (hg19) VCF-style: chr12-114837358-G-A.
Other names: c.322C>T, p.Pro108Ser (NM_000192.3); c.172C>T, p.Pro58Ser (NM_080717.4); short protein forms P108S, P58S.
Identifiers: ClinVar variation 477656 (VCV000477656.8), dbSNP rs376621016, ClinGen allele CA6809643.
Genomic context (GRCh38, chr12:114,399,553, plus strand): 5'-CCTGCCACCCCAGTGCCTACCATTTATTATCTGCGAATTTGTATCTGTGATCGTCGGCAG[G>A]TACAATGTCCATGAGAAGAATGTACTTCGTTTTGGGATTAAGGCCCGTCACCTTCACTTT-3'
Protein context (NP_852259.1, residues 98-118): TKYILLMDIV[Pro108Ser]ADDHRYKFAD